The following is an entry in ClinVar:

NM_012330.4(KAT6B):c.5831del (p.Tyr1944fs)

Gene: KAT6B (lysine acetyltransferase 6B; plus strand). Cytogenetic location: 10q22.2.
Variant type: Deletion.
Coding change: c.5831del on transcript NM_012330.4 (MANE Select); coding-DNA position 5831, one base deleted (A; older notation c.5831delA).
Protein change: p.Tyr1944fs; shifts the reading frame from tyrosine 1944.
Molecular consequence: frameshift variant.
Genome position (GRCh38, 1-based): chr10:75,030,655, A deleted. VCF-style (leftmost placement, unchanged base first): chr10-75030654-TA-T. GRCh37 (hg19) VCF-style: chr10-76790412-TA-T.
Other names: c.5282del, p.Tyr1761fs (NM_001256468.2, NM_001370138.1); c.4955del, p.Tyr1652fs (NM_001256469.2, NM_001370139.1, NM_001370140.1 and 2 more transcripts); c.4793del, p.Tyr1598fs (NM_001370132.1); c.4142del, p.Tyr1381fs (NM_001370133.1); c.3746del, p.Tyr1249fs (NM_001370134.1); c.3488del, p.Tyr1163fs (NM_001370135.1); c.5831del, p.Tyr1944fs (NM_001370136.1, NM_001370137.1); c.4766del, p.Tyr1589fs (NM_001370143.1, NM_001370144.1); short protein forms Y1163fs, Y1249fs, Y1381fs, Y1652fs, Y1589fs, Y1944fs, Y1598fs, Y1761fs.
Identifiers: ClinVar variation 2745843 (VCV002745843.3), dbSNP rs2549215567, ClinGen allele CA2697558499.
Genomic context (GRCh38, chr10:75,030,654, plus strand): 5'-TCCATGAGAACCAAGTCAGCGTCTCTGTCACCAGCCGCTGCCACCCATCAGTCACAAATC[TA>T]TGGGCGCTCCCAGACTGTAGCCATGCAGGGTCCTGCACGGACTTTAACGATGCAAAGAGG-3'

ClinVar aggregate classification (germline): Uncertain significance (1 of 4 stars; one submission).

Conditions:
Genitopatellar syndrome (GTPTS). Also called: ABSENT PATELLAE, SCROTAL HYPOPLASIA, RENAL ANOMALIES, FACIAL DYSMORPHISM, AND MENTAL RETARDATION; Genitopatellar syndrome (GPS). Identifiers: Orphanet 85201, MedGen C1853566, MONDO:0011640, OMIM 606170.

Submission:

Labcorp Genetics (formerly Invitae), Labcorp
Classification: Uncertain significance for Genitopatellar syndrome. Last evaluated: 2023-07-22. Review status: criteria provided, single submitter. Criteria: Invitae Variant Classification Sherloc (09022015). Collection method: clinical testing. Allele origin: germline.
Comment: This variant is not present in population databases (gnomAD no frequency). This sequence change creates a premature translational stop signal (p.Tyr1944Leufs*7) in the KAT6B gene. While this is not anticipated to result in nonsense mediated decay, it is expected to disrupt the last 130 amino acid(s) of the KAT6B protein. This variant has not been reported in the literature in individuals affected with KAT6B-related conditions. Experimental studies and prediction algorithms are not available or were not evaluated, and the functional significance of this variant is currently unknown. In summary, the available evidence is currently insufficient to determine the role of this variant in disease. Therefore, it has been classified as a Variant of Uncertain Significance.